The following is an entry in ClinVar:

ClinVar aggregate classification (germline): Uncertain significance. Review status: criteria provided, multiple submitters, no conflicts (2 of 4 stars). 2 submissions from 2 submitters: Uncertain significance (2). Last evaluated 2024-04-20.

Conditions:
Diamond-Blackfan anemia 5 (DBA5). Also called: RPL35A-Related Diamond-Blackfan Anemia. Identifiers: Orphanet 124, MedGen C2675859, MONDO:0012925, OMIM 612528.

Allele frequency attached by ClinVar (database versions not stated): gnomAD 0.00001; TOPMed 0.00001.
gnomAD v4.1: 3 of 1,613,972 alleles (0.00019%); highest among the groups gnomAD compares: African/African-American, 0.004%; no homozygotes.

Submissions (2):

Fulgent Genetics
Classification: Uncertain significance for Diamond-Blackfan anemia 5. Last evaluated: 2024-04-20. Review status: criteria provided, single submitter. Criteria: ACMG Guidelines, 2015. Collection method: clinical testing. Allele origin: germline.

Labcorp Genetics (formerly Invitae), Labcorp
Classification: Uncertain significance for Diamond-Blackfan anemia 5. Last evaluated: 2023-01-12. Review status: criteria provided, single submitter. Criteria: Invitae Variant Classification Sherloc (09022015). Collection method: clinical testing. Allele origin: germline.
Comment: Algorithms developed to predict the effect of sequence changes on RNA splicing suggest that this variant may create or strengthen a splice site. This variant has not been reported in the literature in individuals affected with RPL35A-related conditions. This variant is present in population databases (no rsID available, gnomAD 0.007%). This sequence change affects codon 46 of the RPL35A mRNA. It is a 'silent' change, meaning that it does not change the encoded amino acid sequence of the RPL35A protein. In summary, the available evidence is currently insufficient to determine the role of this variant in disease. Therefore, it has been classified as a Variant of Uncertain Significance.

NM_000996.4(RPL35A):c.138A>G (p.Arg46=)

Genes: DRC9 (dynein regulatory complex subunit 9; minus strand), RPL35A (ribosomal protein L35a; plus strand). Cytogenetic location: 3q29.
Variant type: single nucleotide variant.
Coding change: c.138A>G on transcript NM_000996.4 (MANE Select); coding-DNA position 138, A replaced by G.
Protein change: p.Arg46=; no amino-acid change (arginine 46 retained).
Molecular consequence: synonymous variant. On other transcripts: intron variant (3).
Genome position (GRCh38, 1-based): chr3:197,951,285, A>G. VCF-style: chr3-197951285-A-G. GRCh37 (hg19) VCF-style: chr3-197678156-A-G.
Other names: c.138A>G, p.Arg46= (NM_001316311.2); c.-49-7234T>C (NM_001323028.2); c.-59-5599T>C (NM_032263.5); c.-374-5599T>C (NM_001323029.2).
Identifiers: ClinVar variation 2741212 (VCV002741212.4), dbSNP rs1348675711, ClinGen allele CA437855830.